The following is an entry in ClinVar:

ClinVar aggregate classification (germline): Uncertain significance (1 of 4 stars; one submission).

Conditions:
CHRNA1-related disorder. Also called: CHRNA1-related condition.

Allele frequency attached by ClinVar (database versions not stated): gnomAD 0.00001.
gnomAD v4.1: 1 of 1,613,978 alleles (0.000062%); highest among the groups gnomAD compares: South Asian, 0.0011%; no homozygotes.

Submission:

PreventionGenetics, part of Exact Sciences
Classification: Uncertain significance for CHRNA1-related condition. Last evaluated: 2022-12-15. Review status: criteria provided, single submitter. Criteria: ACMG Guidelines, 2015. Collection method: clinical testing. Allele origin: germline.
Comment: The CHRNA1 c.1394T>C variant is predicted to result in the amino acid substitution p.Ile465Thr. To our knowledge, this variant has not been reported in the literature or in a large population database, indicating this variant is rare. At this time, the clinical significance of this variant is uncertain due to the absence of conclusive functional and genetic evidence.

NM_000079.4(CHRNA1):c.1319T>C (p.Ile440Thr)

Gene: CHRNA1 (cholinergic receptor nicotinic alpha 1 subunit; minus strand). Cytogenetic location: 2q31.1.
Variant type: single nucleotide variant.
Coding change: c.1319T>C on transcript NM_000079.4 (MANE Select); coding-DNA position 1319, T replaced by C.
Protein change: p.Ile440Thr; replaces isoleucine 440 with threonine.
Molecular consequence: missense variant.
Genome position (GRCh38, 1-based): chr2:174,748,179, A>G on the plus strand (T>C on the coding strand, the complement: CHRNA1 is on the minus strand). VCF-style: chr2-174748179-A-G. GRCh37 (hg19) VCF-style: chr2-175612907-A-G.
Other names: c.1394T>C, p.Ile465Thr (NM_001039523.3); short protein forms I440T, I465T.
Identifiers: ClinVar variation 2629357 (VCV002629357.1), dbSNP rs1683771023, ClinGen allele CA349333307.